The following is an entry in ClinVar:

NM_003873.7(NRP1):c.525T>C (p.Tyr175=)

Genes: NRP1 (neuropilin 1; minus strand), LOC126860910 (P300/CBP strongly-dependent group 1 enhancer GRCh37_chr10:33552654-33553853; plus strand). Cytogenetic location: 10p11.22.
Variant type: single nucleotide variant.
Coding change: c.525T>C on transcript NM_003873.7 (MANE Select); coding-DNA position 525, T replaced by C.
Protein change: p.Tyr175=; no amino-acid change (tyrosine 175 retained).
Molecular consequence: synonymous variant. On other transcripts: non-coding transcript variant (1).
Genome position (GRCh38, 1-based): chr10:33,263,779, A>G on the plus strand (T>C on the coding strand, the complement: NRP1 is on the minus strand). VCF-style: chr10-33263779-A-G. GRCh37 (hg19) VCF-style: chr10-33552707-A-G.
Other names: c.525T>C, p.Tyr175= (NM_001024628.3, NM_001024629.3, NM_001244972.2 and 2 more transcripts).
Identifiers: ClinVar variation 3357354 (VCV003357354.1).

ClinVar aggregate classification (germline): Likely benign (0 of 4 stars; one submission).

Conditions:
NRP1-related disorder. Also called: NRP1-related condition.

gnomAD v4.1: 5 of 1,613,624 alleles (0.00031%); highest among the groups gnomAD compares: South Asian, 0.0033%; no homozygotes.

Submission:

PreventionGenetics, part of Exact Sciences
Classification: Likely benign for NRP1-related condition. Last evaluated: 2023-11-30. Review status: no assertion criteria provided. Collection method: clinical testing. Allele origin: germline.
Comment: This variant is classified as likely benign based on ACMG/AMP sequence variant interpretation guidelines (Richards et al. 2015 PMID: 25741868, with internal and published modifications).